The following is an entry in ClinVar:

NM_020458.4(TTC7A):c.1137C>T (p.Ala379=)

Gene: TTC7A (tetratricopeptide repeat domain 7A; plus strand). Cytogenetic location: 2p21.
Variant type: single nucleotide variant.
Coding change: c.1137C>T on transcript NM_020458.4 (MANE Select); coding-DNA position 1137, C replaced by T.
Protein change: p.Ala379=; no amino-acid change (alanine 379 retained).
Molecular consequence: synonymous variant.
Genome position (GRCh38, 1-based): chr2:47,005,993, C>T. VCF-style: chr2-47005993-C-T. GRCh37 (hg19) VCF-style: chr2-47233132-C-T.
Other names: c.1137C>T, p.Ala379= (NM_001288951.2); c.1035C>T, p.Ala345= (NM_001288953.2); c.75C>T, p.Ala25= (NM_001288955.2).
Identifiers: ClinVar variation 740655 (VCV000740655.13), dbSNP rs144690060, ClinGen allele CA1647507.

ClinVar aggregate classification (germline): Likely benign. Review status: criteria provided, multiple submitters, no conflicts (2 of 4 stars). 3 submissions from 3 submitters: Likely benign (2). 1 of the submissions does not count toward it. Last evaluated 2025-12-22.

Conditions:
TTC7A-related disorder. Also called: TTC7A-related condition.
Multiple gastrointestinal atresias. Also called: Multiple intestinal atresia; FAMILIAL INTESTINAL POLYATRESIA SYNDROME. Identifiers: Orphanet 2300, MedGen C0220744, MONDO:0009465.

Allele frequency attached by ClinVar (database versions not stated): 1000 Genomes Project 0.00020; 1000 Genomes Project 30x 0.00031; gnomAD 0.00035 and 0.00042; ESP Exome Variant Server 0.00038; TOPMed 0.00043.
gnomAD v4.1: 127 of 1,613,780 alleles (0.0079%); highest among the groups gnomAD compares: African/African-American, 0.13%; no homozygotes.

Submissions (3):

Labcorp Genetics (formerly Invitae), Labcorp
Classification: Likely benign for Multiple gastrointestinal atresias. Last evaluated: 2025-12-22. Review status: criteria provided, single submitter. Criteria: Invitae Variant Classification Sherloc (09022015). Collection method: clinical testing. Allele origin: germline.

Blueprint Genetics
Classification: Likely benign. Last evaluated: 2022-01-24. Review status: criteria provided, single submitter. Criteria: ACMG Guidelines, 2015. Collection method: clinical testing. Allele origin: germline.

PreventionGenetics, part of Exact Sciences
Classification: Likely benign for TTC7A-related condition. Last evaluated: 2019-03-21. Review status: no assertion criteria provided. Collection method: clinical testing. Allele origin: germline. Not counted in ClinVar's aggregate classification.
Comment: This variant is classified as likely benign based on ACMG/AMP sequence variant interpretation guidelines (Richards et al. 2015 PMID: 25741868, with internal and published modifications).